The following is an entry in ClinVar:

ClinVar aggregate classification (germline): Uncertain significance (1 of 4 stars; one submission).

Conditions:
Ataxia-telangiectasia syndrome (AT). Also called: Ataxia-telangiectasia, complementation group D; AT, COMPLEMENTATION GROUP C; ATAXIA-TELANGIECTASIA, COMPLEMENTATION GROUP A; ATAXIA-TELANGIECTASIA, FRESNO VARIANT; Ataxia-telangiectasia, complementation group E; LOUIS-BAR SYNDROME. Identifiers: Orphanet 100, MedGen C0004135, MONDO:0008840, OMIM 208900.

Allele frequency attached by ClinVar (database versions not stated): gnomAD exomes below 0.00001.
gnomAD v4.1: 1 of 1,613,796 alleles (0.000062%); highest among the groups gnomAD compares: Non-Finnish European, 0.000085%; no homozygotes.

Submission:

Labcorp Genetics (formerly Invitae), Labcorp
Classification: Uncertain significance for Ataxia-telangiectasia syndrome. Last evaluated: 2022-06-16. Review status: criteria provided, single submitter. Criteria: Invitae Variant Classification Sherloc (09022015). Collection method: clinical testing. Allele origin: germline.
Comment: In summary, the available evidence is currently insufficient to determine the role of this variant in disease. Therefore, it has been classified as a Variant of Uncertain Significance. Advanced modeling of protein sequence and biophysical properties (such as structural, functional, and spatial information, amino acid conservation, physicochemical variation, residue mobility, and thermodynamic stability) performed at Invitae indicates that this missense variant is not expected to disrupt ATM protein function. This variant has not been reported in the literature in individuals affected with ATM-related conditions. This variant is not present in population databases (gnomAD no frequency). This sequence change replaces aspartic acid, which is acidic and polar, with glycine, which is neutral and non-polar, at codon 2240 of the ATM protein (p.Asp2240Gly).

NM_000051.4(ATM):c.6719A>G (p.Asp2240Gly)

Genes: ATM (ATM serine/threonine kinase; plus strand), C11orf65 (chromosome 11 open reading frame 65; minus strand). Cytogenetic location: 11q22.3.
Variant type: single nucleotide variant.
Coding change: c.6719A>G on transcript NM_000051.4 (MANE Select); coding-DNA position 6719, A replaced by G.
Protein change: p.Asp2240Gly; replaces aspartic acid 2240 with glycine.
Molecular consequence: missense variant. On other transcripts: intron variant (2).
Genome position (GRCh38, 1-based): chr11:108,325,456, A>G. VCF-style: chr11-108325456-A-G. GRCh37 (hg19) VCF-style: chr11-108196183-A-G.
Other names: c.6719A>G, p.Asp2240Gly (NM_001351834.2); c.641-16385T>C (NM_001330368.2); c.*38+9764T>C (NM_001351110.2); short protein forms D2240G.
Identifiers: ClinVar variation 2005986 (VCV002005986.4), dbSNP rs2136314215, ClinGen allele CA382555056.